The following is an entry in ClinVar:

ClinVar aggregate classification (germline): Uncertain significance. Review status: criteria provided, multiple submitters, no conflicts (2 of 4 stars). 2 submissions from 2 submitters: Uncertain significance (2). Last evaluated 2024-10-24.

Conditions:
Inborn genetic diseases. Identifiers: MedGen C0950123, MeSH D030342.

gnomAD v4.1: 1 of 1,614,048 alleles (0.000062%); highest among the groups gnomAD compares: Admixed American, 0.0017%; no homozygotes.

Submissions (2):

Ambry Genetics
Classification: Uncertain significance for Inborn genetic diseases. Last evaluated: 2024-10-24. Review status: criteria provided, single submitter. Criteria: Ambry Variant Classification Scheme 2023. Collection method: clinical testing. Allele origin: germline.

Labcorp Genetics (formerly Invitae), Labcorp
Classification: Uncertain significance. Last evaluated: 2024-01-29. Review status: criteria provided, single submitter. Criteria: Invitae Variant Classification Sherloc (09022015). Collection method: clinical testing. Allele origin: germline.
Comment: This sequence change replaces proline, which is neutral and non-polar, with threonine, which is neutral and polar, at codon 213 of the SYT2 protein (p.Pro213Thr). This variant is not present in population databases (gnomAD no frequency). This variant has not been reported in the literature in individuals affected with SYT2-related conditions. Advanced modeling of protein sequence and biophysical properties (such as structural, functional, and spatial information, amino acid conservation, physicochemical variation, residue mobility, and thermodynamic stability) performed at Invitae indicates that this missense variant is not expected to disrupt SYT2 protein function with a negative predictive value of 80%. In summary, the available evidence is currently insufficient to determine the role of this variant in disease. Therefore, it has been classified as a Variant of Uncertain Significance.

NM_177402.5(SYT2):c.637C>A (p.Pro213Thr)

Gene: SYT2 (synaptotagmin 2; minus strand). Cytogenetic location: 1q32.1.
Variant type: single nucleotide variant.
Coding change: c.637C>A on transcript NM_177402.5 (MANE Select); coding-DNA position 637, C replaced by A.
Protein change: p.Pro213Thr; replaces proline 213 with threonine.
Molecular consequence: missense variant.
Genome position (GRCh38, 1-based): chr1:202,602,054, G>T on the plus strand (C>A on the coding strand, the complement: SYT2 is on the minus strand). VCF-style: chr1-202602054-G-T. GRCh37 (hg19) VCF-style: chr1-202571182-G-T.
Other names: c.637C>A, p.Pro213Thr (NM_001136504.1); short protein forms P213T.
Identifiers: ClinVar variation 3007191 (VCV003007191.4), dbSNP rs2526970147, ClinGen allele CA344257717.